The following is an entry in ClinVar:

NM_001244926.2(PRPF4):c.654+6A>G

Gene: PRPF4 (pre-mRNA splicing tri-snRNP complex factor PRPF4; plus strand). Cytogenetic location: 9q32.
Variant type: single nucleotide variant.
Coding change: c.654+6A>G on transcript NM_001244926.2 (MANE Select); 6 bases into the intron after coding-DNA position 654, A replaced by G.
Molecular consequence: intron variant.
Genome position (GRCh38, 1-based): chr9:113,283,488, A>G. VCF-style: chr9-113283488-A-G. GRCh37 (hg19) VCF-style: chr9-116045768-A-G.
Other names: c.-112+6A>G (NM_001322267.2, NM_001322266.2); c.657+6A>G (NM_004697.5).
Identifiers: ClinVar variation 2876743 (VCV002876743.3), dbSNP rs768848083, ClinGen allele CA5194941.

ClinVar aggregate classification (germline): Uncertain significance (1 of 4 stars; one submission).

Allele frequency attached by ClinVar (database versions not stated): gnomAD exomes below 0.00001; TOPMed below 0.00001; ExAC 0.00001.
gnomAD v4.1: 2 of 1,613,396 alleles (0.00012%); highest among the groups gnomAD compares: East Asian, 0.0022%; no homozygotes.

Submission:

Labcorp Genetics (formerly Invitae), Labcorp
Classification: Uncertain significance. Last evaluated: 2023-02-09. Review status: criteria provided, single submitter. Criteria: Invitae Variant Classification Sherloc (09022015). Collection method: clinical testing. Allele origin: germline.
Comment: Variants that disrupt the consensus splice site are a relatively common cause of aberrant splicing (PMID: 17576681, 9536098). Algorithms developed to predict the effect of sequence changes on RNA splicing suggest that this variant is not likely to affect RNA splicing. In summary, the available evidence is currently insufficient to determine the role of this variant in disease. Therefore, it has been classified as a Variant of Uncertain Significance. This variant has not been reported in the literature in individuals affected with PRPF4-related conditions. This sequence change falls in intron 6 of the PRPF4 gene. It does not directly change the encoded amino acid sequence of the PRPF4 protein. It affects a nucleotide within the consensus splice site. This variant is present in population databases (rs768848083, gnomAD 0.006%).

Literature cited by the submitters: PubMed 17576681; PubMed 9536098.